The following is an entry in ClinVar:

NM_001379200.1(TBX1):c.936-11C>A

Gene: TBX1 (T-box transcription factor 1; plus strand). Cytogenetic location: 22q11.21.
Variant type: single nucleotide variant.
Coding change: c.936-11C>A on transcript NM_001379200.1 (MANE Select); 11 bases into the intron before coding-DNA position 936, C replaced by A.
Molecular consequence: intron variant.
Genome position (GRCh38, 1-based): chr22:19,765,891, C>A. VCF-style: chr22-19765891-C-A. GRCh37 (hg19) VCF-style: chr22-19753414-C-A.
Other names: c.909-11C>A (NM_005992.1, NM_080646.2, NM_080647.1).
Identifiers: ClinVar variation 1223697 (VCV001223697.11), dbSNP rs917326981, ClinGen allele CA322057621.
Genomic context (GRCh38, chr22:19,765,891, plus strand): 5'-TGTCCTCCCCCGAGAGAGTGAGCGCCGGGCGCCTGGCGCAGGCGCCGCCCTGATCCGCCT[C>A]CCGCCCGCAGGCCCCGGAACCACCGGCCCGGCGCACTGCCGCTCATGAGCGCCTTCGCGC-3'

ClinVar aggregate classification (germline): Likely benign. Review status: criteria provided, multiple submitters, no conflicts (2 of 4 stars). 2 submissions from 2 submitters: Likely benign (2). Last evaluated 2021-11-29.

Conditions:
DiGeorge syndrome. Also called: THIRD AND FOURTH PHARYNGEAL POUCH SYNDROME; Catch22. Identifiers: Orphanet 567, MedGen C0012236, MONDO:0008564, OMIM 188400.

Allele frequency attached by ClinVar (database versions not stated): gnomAD exomes below 0.00001; gnomAD 0.00001; TOPMed 0.00001.

Submissions (2):

Labcorp Genetics (formerly Invitae), Labcorp
Classification: Likely benign for DiGeorge syndrome. Last evaluated: 2021-11-29. Review status: criteria provided, single submitter. Criteria: Invitae Variant Classification Sherloc (09022015). Collection method: clinical testing. Allele origin: germline.

GeneDx
Classification: Likely benign. Last evaluated: 2019-10-25. Review status: criteria provided, single submitter. Criteria: GeneDx Variant Classification Process June 2021. Collection method: clinical testing. Allele origin: germline. Affected: yes.
Comment: Not observed in large population cohorts (Lek et al., 2016); Has not been previously published as pathogenic or benign to our knowledge